The following is an entry in ClinVar:

NM_000836.4(GRIN2D):c.2837C>A (p.Thr946Asn)

Gene: GRIN2D (glutamate ionotropic receptor NMDA type subunit 2D; plus strand). Cytogenetic location: 19q13.33.
Variant type: single nucleotide variant.
Coding change: c.2837C>A on transcript NM_000836.4 (MANE Select); coding-DNA position 2837, C replaced by A.
Protein change: p.Thr946Asn; replaces threonine 946 with asparagine.
Molecular consequence: missense variant.
Genome position (GRCh38, 1-based): chr19:48,442,763, C>A. VCF-style: chr19-48442763-C-A. GRCh37 (hg19) VCF-style: chr19-48946020-C-A.
Other names: short protein forms T946N.
Identifiers: ClinVar variation 2751050 (VCV002751050.3), dbSNP rs1195885888, ClinGen allele CA406673914.

ClinVar aggregate classification (germline): Uncertain significance (1 of 4 stars; one submission).

Submission:

Labcorp Genetics (formerly Invitae), Labcorp
Classification: Uncertain significance. Last evaluated: 2024-01-10. Review status: criteria provided, single submitter. Criteria: Invitae Variant Classification Sherloc (09022015). Collection method: clinical testing. Allele origin: germline.
Comment: This sequence change replaces threonine, which is neutral and polar, with asparagine, which is neutral and polar, at codon 946 of the GRIN2D protein (p.Thr946Asn). The frequency data for this variant in the population databases is considered unreliable, as metrics indicate insufficient coverage at this position in the gnomAD database. This variant has not been reported in the literature in individuals affected with GRIN2D-related conditions. Advanced modeling of protein sequence and biophysical properties (such as structural, functional, and spatial information, amino acid conservation, physicochemical variation, residue mobility, and thermodynamic stability) performed at Invitae indicates that this missense variant is not expected to disrupt GRIN2D protein function with a negative predictive value of 95%. In summary, the available evidence is currently insufficient to determine the role of this variant in disease. Therefore, it has been classified as a Variant of Uncertain Significance.